The following is an entry in ClinVar:

NM_004184.4(WARS1):c.21A>G (p.Ala7=)

Gene: WARS1 (tryptophanyl-tRNA synthetase 1; minus strand). Cytogenetic location: 14q32.2.
Variant type: single nucleotide variant.
Coding change: c.21A>G on transcript NM_004184.4 (MANE Select); coding-DNA position 21, A replaced by G.
Protein change: p.Ala7=; no amino-acid change (alanine 7 retained).
Molecular consequence: synonymous variant. On other transcripts: intron variant (2).
Genome position (GRCh38, 1-based): chr14:100,369,165, T>C on the plus strand (A>G on the coding strand, the complement: WARS1 is on the minus strand). VCF-style: chr14-100369165-T-C. GRCh37 (hg19) VCF-style: chr14-100835502-T-C.
Other names: c.21A>G, p.Ala7= (NM_173701.2); c.-25+7095A>G (NM_213645.2); c.-25+6118A>G (NM_213646.2).
Identifiers: ClinVar variation 4874379 (VCV004874379.2).

ClinVar aggregate classification (germline): Likely benign (1 of 4 stars; one submission).

gnomAD v4.1: 13 of 1,522,506 alleles (0.00085%); highest among the groups gnomAD compares: Admixed American, 0.02%; no homozygotes.

Submission:

CeGaT Center for Human Genetics Tuebingen
Classification: Likely benign. Last evaluated: 2026-04-01. Review status: criteria provided, single submitter. Criteria: CeGaT Center For Human Genetics Tuebingen Variant Classification Criteria Version 2. Collection method: clinical testing. Allele origin: germline. Affected: yes. Observed: 1 variant allele.
Comment: WARS1: BP4, BP7